The following is an entry in ClinVar:

ClinVar aggregate classification (germline): Uncertain significance (1 of 4 stars; one submission).

Conditions:
Cardiomyopathy (CMYO). Also called: Cardiomyopathies. Identifiers: Orphanet 167848, MedGen C0878544, MONDO:0004994, HP:0001638. Inheritance: Various modes of inheritance.

Submission:

Color Diagnostics, LLC DBA Color Health
Classification: Uncertain significance for Cardiomyopathy. Last evaluated: 2025-08-30. Review status: criteria provided, single submitter. Criteria: ACMG Guidelines, 2015. Collection method: clinical testing. Allele origin: germline.
Comment: This missense variant replaces serine with asparagine at codon 2168 of the DSP protein. Computational prediction suggests that this variant may not impact protein structure and function. To our knowledge, functional studies have not been reported for this variant. This variant has not been reported in individuals affected with DSP-related disorders in the literature. This variant has not been identified in the general population by the Genome Aggregation Database (gnomAD). The available evidence is insufficient to determine the role of this variant in disease conclusively. Therefore, this variant is classified as a Variant of Uncertain Significance.

NM_004415.4(DSP):c.6503G>A (p.Ser2168Asn)

Gene: DSP (desmoplakin; plus strand). Cytogenetic location: 6p24.3.
Variant type: single nucleotide variant.
Coding change: c.6503G>A on transcript NM_004415.4 (MANE Select); coding-DNA position 6503, G replaced by A.
Protein change: p.Ser2168Asn; replaces serine 2168 with asparagine.
Molecular consequence: missense variant.
Genome position (GRCh38, 1-based): chr6:7,583,765, G>A. VCF-style: chr6-7583765-G-A. GRCh37 (hg19) VCF-style: chr6-7583998-G-A.
Other names: c.4706G>A, p.Ser1569Asn (NM_001008844.3); c.5174G>A, p.Ser1725Asn (NM_001319034.2); short protein forms S1569N, S1725N, S2168N.
Identifiers: ClinVar variation 4757894 (VCV004757894.1).